The following is an entry in ClinVar:

ClinVar aggregate classification (germline): Uncertain significance (1 of 4 stars; one submission).

Allele frequency attached by ClinVar (database versions not stated): gnomAD exomes below 0.00001 and 0.00001; ExAC 0.00001.
gnomAD v4.1: 2 of 1,611,512 alleles (0.00012%); highest among the groups gnomAD compares: South Asian, 0.0022%; no homozygotes.

Submission:

Labcorp Genetics (formerly Invitae), Labcorp
Classification: Uncertain significance. Last evaluated: 2021-02-15. Review status: criteria provided, single submitter. Criteria: Invitae Variant Classification Sherloc (09022015). Collection method: clinical testing. Allele origin: germline.
Comment: Algorithms developed to predict the effect of missense changes on protein structure and function are either unavailable or do not agree on the potential impact of this missense change (SIFT: "Tolerated"; PolyPhen-2: "Probably Damaging"; Align-GVGD: "Class C0"). This variant is present in population databases (rs747844908, ExAC 0.006%). This variant has not been reported in the literature in individuals with CCDC88A-related conditions. In summary, the available evidence is currently insufficient to determine the role of this variant in disease. Therefore, it has been classified as a Variant of Uncertain Significance. This sequence change replaces threonine with alanine at codon 1056 of the CCDC88A protein (p.Thr1056Ala). The threonine residue is moderately conserved and there is a small physicochemical difference between threonine and alanine.

NM_001365480.1(CCDC88A):c.3169A>G (p.Thr1057Ala)

Gene: CCDC88A (coiled-coil and HOOK domain protein 88A; minus strand). Cytogenetic location: 2p16.1.
Variant type: single nucleotide variant.
Coding change: c.3169A>G on transcript NM_001365480.1 (MANE Select); coding-DNA position 3169, A replaced by G.
Protein change: p.Thr1057Ala; replaces threonine 1057 with alanine.
Molecular consequence: missense variant.
Genome position (GRCh38, 1-based): chr2:55,318,998, T>C on the plus strand (A>G on the coding strand, the complement: CCDC88A is on the minus strand). VCF-style: chr2-55318998-T-C. GRCh37 (hg19) VCF-style: chr2-55546134-T-C.
Other names: c.3166A>G, p.Thr1056Ala (NM_001135597.2, NM_001254943.2); c.3169A>G, p.Thr1057Ala (NM_018084.5); short protein forms T1056A, T1057A.
Identifiers: ClinVar variation 1409539 (VCV001409539.8), dbSNP rs747844908, ClinGen allele CA1665819.
Genomic context (GRCh38, chr2:55,318,998, plus strand): 5'-TGTTCTGTGTCTCAAGTTGCTTCAGTTGAGTTTTCAACGCTTGCTTCTCTGCTTGCAGTG[T>C]AGCATTCTTGAAAAACAAAAACCAAAACCAAACATATTAACAATAATGGCAACATCAAAT-3'
Protein context (NP_001352409.1, residues 1047-1067): RLIEVERNNA[Thr1057Ala]LQAEKQALKT